The following is an entry in ClinVar:

NM_006445.4(PRPF8):c.3583C>T (p.Arg1195Cys)

Gene: PRPF8 (pre-mRNA processing factor 8; minus strand). Cytogenetic location: 17p13.3.
Variant type: single nucleotide variant.
Coding change: c.3583C>T on transcript NM_006445.4 (MANE Select); coding-DNA position 3583, C replaced by T.
Protein change: p.Arg1195Cys; replaces arginine 1195 with cysteine.
Molecular consequence: missense variant.
Genome position (GRCh38, 1-based): chr17:1,673,431, G>A on the plus strand (C>T on the coding strand, the complement: PRPF8 is on the minus strand). VCF-style: chr17-1673431-G-A. GRCh37 (hg19) VCF-style: chr17-1576725-G-A.
Other names: short protein forms R1195C.
Identifiers: ClinVar variation 2104636 (VCV002104636.4), dbSNP rs1343543361, ClinGen allele CA397539311.
Genomic context (GRCh38, chr17:1,673,431, plus strand): 5'-TCCAGACCCCGTCCTTGTGGGTGAACTCCTCATAGCTGGTGCGGCACTTAGGCAGGATGC[G>A]GCACTCGAAGCCACACATGTTGAACAGCAGGTTGGGGTTGTCCTTACTGTACACAGACAC-3'
Protein context (NP_006436.3, residues 1185-1205): LLFNMCGFEC[Arg1195Cys]ILPKCRTSYE

ClinVar aggregate classification (germline): Uncertain significance (1 of 4 stars; one submission).

Allele frequency attached by ClinVar (database versions not stated): gnomAD 0.00001; TOPMed below 0.00001.
gnomAD v4.1: 5 of 1,613,994 alleles (0.00031%); highest among the groups gnomAD compares: South Asian, 0.0011%; no homozygotes.

Submission:

Labcorp Genetics (formerly Invitae), Labcorp
Classification: Uncertain significance. Last evaluated: 2022-08-15. Review status: criteria provided, single submitter. Criteria: Invitae Variant Classification Sherloc (09022015). Collection method: clinical testing. Allele origin: germline.
Comment: In summary, the available evidence is currently insufficient to determine the role of this variant in disease. Therefore, it has been classified as a Variant of Uncertain Significance. Algorithms developed to predict the effect of missense changes on protein structure and function are either unavailable or do not agree on the potential impact of this missense change (SIFT: "Deleterious"; PolyPhen-2: "Probably Damaging"; Align-GVGD: "Class C0"). This variant has not been reported in the literature in individuals affected with PRPF8-related conditions. This variant is present in population databases (no rsID available, gnomAD 0.004%). This sequence change replaces arginine, which is basic and polar, with cysteine, which is neutral and slightly polar, at codon 1195 of the PRPF8 protein (p.Arg1195Cys).